The following is an entry in ClinVar:

NM_001277115.2(DNAH11):c.5498T>G (p.Leu1833Arg)

Gene: DNAH11 (dynein axonemal heavy chain 11; plus strand). Cytogenetic location: 7p15.3.
Variant type: single nucleotide variant.
Coding change: c.5498T>G on transcript NM_001277115.2 (MANE Select); coding-DNA position 5498, T replaced by G.
Protein change: p.Leu1833Arg; replaces leucine 1833 with arginine.
Molecular consequence: missense variant.
Genome position (GRCh38, 1-based): chr7:21,683,821, T>G. VCF-style: chr7-21683821-T-G. GRCh37 (hg19) VCF-style: chr7-21723439-T-G.
Other names: short protein forms L1833R.
Identifiers: ClinVar variation 3503070 (VCV003503070.1).

ClinVar aggregate classification (germline): Uncertain significance (1 of 4 stars; one submission).

Conditions:
Primary ciliary dyskinesia. Also called: Ciliary dyskinesia. Identifiers: Orphanet 244, MedGen C0008780, MONDO:0016575, HP:0012265.

Submission:

Ambry Genetics
Classification: Uncertain significance for Primary ciliary dyskinesia. Last evaluated: 2024-10-15. Review status: criteria provided, single submitter. Criteria: Ambry Variant Classification Scheme 2023. Collection method: clinical testing. Allele origin: germline.
Comment: The p.L1833R variant (also known as c.5498T>G), located in coding exon 32 of the DNAH11 gene, results from a T to G substitution at nucleotide position 5498. The leucine at codon 1833 is replaced by arginine, an amino acid with dissimilar properties. This amino acid position is conserved. In addition, this alteration is predicted to be deleterious by in silico analysis. Based on the available evidence, the clinical significance of this variant remains unclear.